The following is an entry in ClinVar:

ClinVar aggregate classification (germline): Likely benign. Review status: criteria provided, multiple submitters, no conflicts (2 of 4 stars). 2 submissions from 2 submitters: Likely benign (2). Last evaluated 2025-11-15.

Conditions:
Nemaline myopathy 2 (NEM2). Also called: Nemaline myopathy 2, autosomal recessive. Identifiers: MedGen C1850569, MONDO:0009725, OMIM 256030.

Allele frequency attached by ClinVar (database versions not stated): gnomAD exomes 0.00001 and 0.00002; ExAC 0.00003; gnomAD 0.00015 and 0.00016; 1000 Genomes Project 30x 0.00016; TOPMed 0.00016; 1000 Genomes Project 0.00020; ESP Exome Variant Server 0.00025.
gnomAD v4.1: 35 of 1,613,914 alleles (0.0022%); highest among the groups gnomAD compares: African/African-American, 0.044%; no homozygotes.

Submissions (2):

Labcorp Genetics (formerly Invitae), Labcorp
Classification: Likely benign for Nemaline myopathy 2. Last evaluated: 2025-11-15. Review status: criteria provided, single submitter. Criteria: Invitae Variant Classification Sherloc (09022015). Collection method: clinical testing. Allele origin: germline.

Mayo Clinic Laboratories, Mayo Clinic
Classification: Likely benign. Last evaluated: 2025-06-07. Review status: criteria provided, single submitter. Criteria: ACMG Guidelines, 2015. Collection method: clinical testing. Allele origin: germline. Observed: 2 variant alleles.
Comment: BP4, BP7

NM_001164508.2(NEB):c.9867C>T (p.Gly3289=)

Gene: NEB (nebulin; minus strand). Cytogenetic location: 2q23.3.
Variant type: single nucleotide variant.
Coding change: c.9867C>T on transcript NM_001164508.2 (MANE Select); coding-DNA position 9867, C replaced by T.
Protein change: p.Gly3289=; no amino-acid change (glycine 3289 retained).
Molecular consequence: synonymous variant.
Genome position (GRCh38, 1-based): chr2:151,627,799, G>A on the plus strand (C>T on the coding strand, the complement: NEB is on the minus strand). VCF-style: chr2-151627799-G-A. GRCh37 (hg19) VCF-style: chr2-152484313-G-A.
Other names: p.Gly3289=; c.9867C>T, p.Gly3289= (NM_001164507.2, NM_001271208.2); c.9138C>T, p.Gly3046= (NM_004543.5).
Identifiers: ClinVar variation 1081206 (VCV001081206.10), dbSNP rs150283068, ClinGen allele CA1909173.